The following is an entry in ClinVar:

NM_019851.3(FGF20):c.414C>G (p.Ile138Met)

Gene: FGF20 (fibroblast growth factor 20; minus strand). Cytogenetic location: 8p22.
Variant type: single nucleotide variant.
Coding change: c.414C>G on transcript NM_019851.3 (MANE Select); coding-DNA position 414, C replaced by G.
Protein change: p.Ile138Met; replaces isoleucine 138 with methionine.
Molecular consequence: missense variant.
Genome position (GRCh38, 1-based): chr8:16,993,294, G>C on the plus strand (C>G on the coding strand, the complement: FGF20 is on the minus strand). VCF-style: chr8-16993294-G-C. GRCh37 (hg19) VCF-style: chr8-16850803-G-C.
Other names: short protein forms I138M.
Identifiers: ClinVar variation 3647595 (VCV003647595.2).

ClinVar aggregate classification (germline): Uncertain significance (1 of 4 stars; one submission).

gnomAD v4.1: 3 of 1,610,634 alleles (0.00019%); highest among the groups gnomAD compares: South Asian, 0.0033%; no homozygotes.

Submission:

Labcorp Genetics (formerly Invitae), Labcorp
Classification: Uncertain significance. Last evaluated: 2024-03-25. Review status: criteria provided, single submitter. Criteria: Invitae Variant Classification Sherloc (09022015). Collection method: clinical testing. Allele origin: germline.
Comment: This sequence change replaces isoleucine, which is neutral and non-polar, with methionine, which is neutral and non-polar, at codon 138 of the FGF20 protein (p.Ile138Met). This variant is present in population databases (no rsID available, gnomAD 0.007%). This variant has not been reported in the literature in individuals affected with FGF20-related conditions. An algorithm developed to predict the effect of missense changes on protein structure and function (PolyPhen-2) suggests that this variant is likely to be disruptive. In summary, the available evidence is currently insufficient to determine the role of this variant in disease. Therefore, it has been classified as a Variant of Uncertain Significance.